The following is an entry in ClinVar:

ClinVar aggregate classification (germline): Uncertain significance (1 of 4 stars; one submission).

Conditions:
Developmental and epileptic encephalopathy, 37 (DEE37). Also called: Epileptic encephalopathy, early infantile, 37. Identifiers: MedGen C4310770, MONDO:0014859, OMIM 616981.

Submission:

Juno Genomics, Hangzhou Juno Genomics, Inc
Classification: Uncertain significance for Developmental and epileptic encephalopathy, 37. Review status: criteria provided, single submitter. Criteria: ACMG Guidelines, 2015. Collection method: clinical testing. Allele origin: germline.
Comment: Protein length changes due to in-frame deletions/insertions in a non-repeat region or stop-loss variants.;Absent from controls (or at extremely low frequency if recessive) in Genome Aggregation Database.

NM_014334.4(FRRS1L):c.182CCT[1] (p.Ser62del)

Gene: FRRS1L (ferric chelate reductase 1 like; minus strand). Cytogenetic location: 9q31.3.
Variant type: Microsatellite.
Coding change: c.182CCT[1] on transcript NM_014334.4 (MANE Select); one copy of the 3-base unit CCT starting at c.182; the reference has two copies in a row; one copy, 3 bases deleted; also written c.185_187del.
Protein change: p.Ser62del; deletes serine 62.
Molecular consequence: inframe deletion.
Genome position (GRCh38, 1-based): chr9:109,166,952-109,166,954, AGG deleted on the plus strand (CCT on the coding strand, the reverse complement: FRRS1L is on the minus strand); deleting any 3 consecutive bases within chr9:109,166,952-109,166,959 gives the same sequence; the position shown is the placement nearest the transcript's 3' end. VCF-style (leftmost placement, unchanged base first): chr9-109166951-TAGG-T. GRCh37 (hg19) VCF-style: chr9-111929231-TAGG-T.
Other names: c.185_187del (NM_014334.4); short protein forms S62del.
Identifiers: ClinVar variation 5007372 (VCV005007372.2).